The following is an entry in ClinVar:

ClinVar aggregate classification (germline): Uncertain significance. Review status: criteria provided, multiple submitters, no conflicts (2 of 4 stars). 2 submissions from 2 submitters: Uncertain significance (2). Last evaluated 2022-04-11.

Conditions:
Isolated microphthalmia 6. Also called: MICROPHTHALMIA, POSTERIOR NONSYNDROMIC. Identifiers: Orphanet 2542, MedGen C3150757, MONDO:0013293, OMIM 613517.

Submissions (2):

Fulgent Genetics
Classification: Uncertain significance for Isolated microphthalmia 6. Last evaluated: 2022-04-11. Review status: criteria provided, single submitter. Criteria: ACMG Guidelines, 2015. Collection method: clinical testing. Allele origin: unknown.

Labcorp Genetics (formerly Invitae), Labcorp
Classification: Uncertain significance for Isolated microphthalmia 6. Last evaluated: 2021-09-17. Review status: criteria provided, single submitter. Criteria: Invitae Variant Classification Sherloc (09022015). Collection method: clinical testing. Allele origin: germline.
Comment: This sequence change replaces arginine with cysteine at codon 247 of the PRSS56 protein (p.Arg247Cys). The arginine residue is moderately conserved and there is a large physicochemical difference between arginine and cysteine. The frequency data for this variant in the population databases is considered unreliable, as metrics indicate insufficient coverage at this position in the ExAC database. This variant has been observed in individual(s) with clinical features of a PRSS56-related condition (Invitae). In at least one individual the data is consistent with the variant being in trans (on the opposite chromosome) from a pathogenic variant. Algorithms developed to predict the effect of missense changes on protein structure and function are either unavailable or do not agree on the potential impact of this missense change (SIFT: "Deleterious"; PolyPhen-2: "Not Available"; Align-GVGD: "Class C0"). In summary, the available evidence is currently insufficient to determine the role of this variant in disease. Therefore, it has been classified as a Variant of Uncertain Significance.

NM_001195129.2(PRSS56):c.739C>T (p.Arg247Cys)

Gene: PRSS56 (serine protease 56; plus strand). Cytogenetic location: 2q37.1.
Variant type: single nucleotide variant.
Coding change: c.739C>T on transcript NM_001195129.2 (MANE Select); coding-DNA position 739, C replaced by T.
Protein change: p.Arg247Cys; replaces arginine 247 with cysteine.
Molecular consequence: missense variant.
Genome position (GRCh38, 1-based): chr2:232,523,092, C>T. VCF-style: chr2-232523092-C-T. GRCh37 (hg19) VCF-style: chr2-233387802-C-T.
Other names: c.739C>T, p.Arg247Cys (NM_001369848.1); short protein forms R247C.
Identifiers: ClinVar variation 1425821 (VCV001425821.6), dbSNP rs545607218, ClinGen allele CA350987875.